The following is an entry in ClinVar:

ClinVar aggregate classification (germline): Conflicting classifications of pathogenicity. Review status: criteria provided, conflicting classifications (1 of 4 stars). 6 submissions from 6 submitters: Likely pathogenic (2); Uncertain significance (1). 3 of the submissions do not count toward it. Last evaluated 2025-10-24.

Conditions:
VPS13B-related disorder. Also called: VPS13B-related condition.
Cohen syndrome (COH1). Also called: PEPPER SYNDROME; Cutis verticis gyrata, retinitis pigmentosa, and sensorineural deafness. Identifiers: Orphanet 193, MedGen C0265223, MONDO:0008999, OMIM 216550.

Allele frequency attached by ClinVar (database versions not stated): gnomAD 0.00001; TOPMed 0.00001.
gnomAD v4.1: 7 of 1,608,212 alleles (0.00044%); highest among the groups gnomAD compares: South Asian, 0.0011%; no homozygotes.

Submissions (6):

Myriad Genetics, Inc.
Classification: Uncertain significance for Cohen syndrome. Last evaluated: 2025-10-24. Review status: criteria provided, single submitter. Criteria: Myriad Autosomal Dominant, Autosomal Recessive and X-Linked Classification Criteria (2023). Collection method: clinical testing. Allele origin: unknown.
Comment: NM_017890.4(VPS13B):c.2824+2T>C is a variant in a canonical splice site classified as a variant of uncertain significance in the context of Cohen syndrome. c.2824+2T>C has not been observed in cases with relevant disease. Relevant functional assessments of this variant are not available in the literature. c.2824+2T>C has been observed in referenced population frequency databases. In summary, there is insufficient evidence to classify NM_017890.4(VPS13B):c.2824+2T>C as pathogenic or benign. Please note: this variant was assessed in the context of healthy population screening.

Labcorp Genetics (formerly Invitae), Labcorp
Classification: Likely pathogenic for Cohen syndrome. Last evaluated: 2025-08-10. Review status: criteria provided, single submitter. Criteria: Invitae Variant Classification Sherloc (09022015). Collection method: clinical testing. Allele origin: germline.
Comment: This sequence change affects a donor splice site in intron 19 of the VPS13B gene. It is expected to disrupt RNA splicing. Variants that disrupt the donor or acceptor splice site typically lead to a loss of protein function (PMID: 16199547), and loss-of-function variants in VPS13B are known to be pathogenic (PMID: 15141358, 16648375, 20461111). This variant is present in population databases (rs141703746, gnomAD 0.003%). This variant has not been reported in the literature in individuals affected with VPS13B-related conditions. ClinVar contains an entry for this variant (Variation ID: 370331). In summary, the currently available evidence indicates that the variant is pathogenic, but additional data are needed to prove that conclusively. Therefore, this variant has been classified as Likely Pathogenic.

Blueprint Genetics
Classification: Likely pathogenic for VPS13B-related disorders. Last evaluated: 2020-10-07. Review status: criteria provided, single submitter. Criteria: ACMG Guidelines, 2015. Collection method: clinical testing. Allele origin: germline. Affected: yes. Observed: 2 variant alleles.

PreventionGenetics, part of Exact Sciences
Classification: Likely pathogenic for VPS13B-related condition. Last evaluated: 2024-09-16. Review status: no assertion criteria provided. Collection method: clinical testing. Allele origin: germline. Not counted in ClinVar's aggregate classification.
Comment: The VPS13B c.2824+2T>C variant is predicted to disrupt the GT donor site and interfere with normal splicing. To our knowledge, this variant has not been reported in the literature. This variant is reported in 0.0033% of alleles in individuals of South Asian descent in gnomAD. Variants that disrupt the consensus splice donor site in VPS13B are expected to be pathogenic. It is interpreted as likely pathogenic in ClinVar. This variant is interpreted as likely pathogenic.

Natera, Inc.
Classification: Likely pathogenic for Cohen syndrome. Last evaluated: 2021-03-01. Review status: no assertion criteria provided. Collection method: clinical testing. Allele origin: germline. Not counted in ClinVar's aggregate classification.

Counsyl
Classification: Likely pathogenic for Cohen syndrome. Last evaluated: 2016-01-12. Review status: no assertion criteria provided. Collection method: clinical testing. Allele origin: unknown. Not counted in ClinVar's aggregate classification.

Literature cited by the submitters: PubMed 16199547 (cited by Labcorp Genetics (formerly Invitae), Labcorp); PubMed 15141358 (cited by Labcorp Genetics (formerly Invitae), Labcorp); PubMed 16648375 (cited by Labcorp Genetics (formerly Invitae), Labcorp); PubMed 20461111 (cited by Labcorp Genetics (formerly Invitae), Labcorp).

NM_152564.5(VPS13B):c.2824+2T>C

Gene: VPS13B (vacuolar protein sorting 13 homolog B; plus strand). Cytogenetic location: 8q22.2.
Variant type: single nucleotide variant.
Coding change: c.2824+2T>C on transcript NM_152564.5 (MANE Select); the canonical splice donor site of the intron after coding-DNA position 2824, T replaced by C.
Molecular consequence: splice donor variant.
Genome position (GRCh38, 1-based): chr8:99,275,256, T>C. VCF-style: chr8-99275256-T-C. GRCh37 (hg19) VCF-style: chr8-100287484-T-C.
Other names: c.2824+2T>C (NM_152564.4, NM_017890.5).
Identifiers: ClinVar variation 370331 (VCV000370331.15), dbSNP rs141703746, ClinGen allele CA4823028.